The following is an entry in ClinVar:

NM_006005.3(WFS1):c.1242C>T (p.Phe414=)

Gene: WFS1 (wolframin ER transmembrane glycoprotein; plus strand). Cytogenetic location: 4p16.1.
Variant type: single nucleotide variant.
Coding change: c.1242C>T on transcript NM_006005.3 (MANE Select); coding-DNA position 1242, C replaced by T.
Protein change: p.Phe414=; no amino-acid change (phenylalanine 414 retained).
Molecular consequence: synonymous variant.
Genome position (GRCh38, 1-based): chr4:6,301,037, C>T. VCF-style: chr4-6301037-C-T. GRCh37 (hg19) VCF-style: chr4-6302764-C-T.
Other names: c.1242C>T, p.Phe414= (NM_001145853.1).
Identifiers: ClinVar variation 513249 (VCV000513249.10), dbSNP rs376646736, ClinGen allele CA2839280.
Genomic context (GRCh38, chr4:6,301,037, plus strand): 5'-GGTCAACTTCGGCTGGAACCACCTGGAGCCCTATGCCCATTTCCTGCTCTCTGTCTTCTT[C>T]GTCATCTTCTCCTTCCCCATCGCCAGCAAGGACTGCATCCCCTGCTCGGAGCTGGCTGTC-3'
Protein context (NP_005996.2, residues 404-424): PYAHFLLSVF[Phe414=]VIFSFPIASK

ClinVar aggregate classification (germline): Benign/Likely benign. Review status: criteria provided, multiple submitters, no conflicts (2 of 4 stars). 4 submissions from 4 submitters: Benign (1); Likely benign (3). Last evaluated 2025-12-15.

Conditions:
Wolfram syndrome 1 (WFS1). Identifiers: Orphanet 3463, MedGen C4551693, MONDO:0009101, OMIM 222300.

Allele frequency attached by ClinVar (database versions not stated): ExAC 0.00004; gnomAD exomes 0.00004; TOPMed 0.00002.
gnomAD v4.1: 36 of 1,613,872 alleles (0.0022%); highest among the groups gnomAD compares: East Asian, 0.02%; no homozygotes.

Submissions (4):

Labcorp Genetics (formerly Invitae), Labcorp
Classification: Likely benign. Last evaluated: 2025-12-15. Review status: criteria provided, single submitter. Criteria: Invitae Variant Classification Sherloc (09022015). Collection method: clinical testing. Allele origin: germline.

Blueprint Genetics
Classification: Likely benign. Last evaluated: 2024-03-25. Review status: criteria provided, single submitter. Criteria: ACMG Guidelines, 2015. Collection method: clinical testing. Allele origin: germline.

GeneDx
Classification: Likely benign. Last evaluated: 2017-12-04. Review status: criteria provided, single submitter. Criteria: GeneDx Variant Classification (06012015). Collection method: clinical testing. Allele origin: germline. Affected: yes.
Comment: This variant is considered likely benign or benign based on one or more of the following criteria: it is a conservative change, it occurs at a poorly conserved position in the protein, it is predicted to be benign by multiple in silico algorithms, and/or has population frequency not consistent with disease.

Clinical Genomics, Uppaluri K&H Personalized Medicine Clinic
Classification: Benign for Wolfram syndrome 1. Review status: criteria provided, single submitter. Criteria: K & H Uppaluri Personalized Medicine Clinic Variant Classification & Assertion Criteria_Updated V.1. Collection method: research. Allele origin: unknown. Inheritance: Autosomal recessive inheritance.
Comment: Potent mutations in WFS1 gene are associated with Wolfram's syndrome, an autosomal recessive condition, which cause diabetes mellitus, diabetes insipidus, deafness and optic atrophy.However no sufficient evidence is found to ascertain the role of this particular variant rs376646736 in Wolfram's syndrome yet.

Literature cited by the submitters: PubMed 20738327 (cited by Clinical Genomics, Uppaluri K&H Personalized Medicine Clinic); PubMed 33879153 (cited by Clinical Genomics, Uppaluri K&H Personalized Medicine Clinic); PubMed 12955714 (cited by Clinical Genomics, Uppaluri K&H Personalized Medicine Clinic); PubMed 18060660 (cited by Clinical Genomics, Uppaluri K&H Personalized Medicine Clinic); PubMed 20301750 (cited by Clinical Genomics, Uppaluri K&H Personalized Medicine Clinic); PubMed 17603484 (cited by Clinical Genomics, Uppaluri K&H Personalized Medicine Clinic).